The following is an entry in ClinVar:

NM_000053.4(ATP7B):c.712T>C (p.Ser238Pro)

Gene: ATP7B (ATPase copper transporting beta; minus strand). Cytogenetic location: 13q14.3.
Variant type: single nucleotide variant.
Coding change: c.712T>C on transcript NM_000053.4 (MANE Select); coding-DNA position 712, T replaced by C.
Protein change: p.Ser238Pro; replaces serine 238 with proline.
Molecular consequence: missense variant.
Genome position (GRCh38, 1-based): chr13:51,974,508, A>G on the plus strand (T>C on the coding strand, the complement: ATP7B is on the minus strand). VCF-style: chr13-51974508-A-G. GRCh37 (hg19) VCF-style: chr13-52548644-A-G.
Other names: c.712T>C, p.Ser238Pro (NM_001005918.3, NM_001243182.2, NM_001330578.2 and 30 more transcripts); c.616T>C, p.Ser206Pro (NM_001406517.1, NM_001406518.1, NM_001406530.1 and 4 more transcripts); short protein forms S206P, S238P.
Identifiers: ClinVar variation 3385031 (VCV003385031.1).
Genomic context (GRCh38, chr13:51,974,508, plus strand): 5'-TGACCACATGGCTTCCTTGGTGCCCCAAGGTCTCAGAATTATTAAAATTCTGGTTAGCAG[A>G]AGATAAAGGTCTCTTTGGGTTAGTGCTTTGTAACCGCTCAATATCAATTGGTCCCAGGCT-3'
Protein context (NP_000044.2, residues 228-248): QSTNPKRPLS[Ser238Pro]ANQNFNNSET

ClinVar aggregate classification (germline): Uncertain significance (1 of 4 stars; one submission).

Submission:

Women's Health and Genetics/Laboratory Corporation of America, LabCorp
Classification: Uncertain significance. Last evaluated: 2024-10-01. Review status: criteria provided, single submitter. Criteria: LabCorp Variant Classification Summary - May 2015. Collection method: clinical testing. Allele origin: germline.
Comment: Variant summary: ATP7B c.712T>C (p.Ser238Pro) results in a non-conservative amino acid change in the encoded protein sequence. Three of five in-silico tools predict a benign effect of the variant on protein function. The variant was absent in 249332 control chromosomes. The available data on variant occurrences in the general population are insufficient to allow any conclusion about variant significance. c.712T>C has been reported in the literature in at least one individual affected with Wilson Disease, reported as a compound heterozygous genotype without specified second variant (e.g. Kluska_2019). This report does not provide unequivocal conclusions about association of the variant with Wilson Disease. To our knowledge, no experimental evidence demonstrating an impact on protein function has been reported. The following publication have been ascertained in the context of this evaluation (PMID: 30230192). No submitters have cited clinical-significance assessments for this variant to ClinVar. Based on the evidence outlined above, the variant was classified as uncertain significance.

Literature cited by the submitters: PubMed 30230192.